The following is an entry in ClinVar:

NM_006509.4(RELB):c.1567G>A (p.Ala523Thr)

Gene: RELB (RELB proto-oncogene, NF-kB subunit; plus strand). Cytogenetic location: 19q13.32.
Variant type: single nucleotide variant.
Coding change: c.1567G>A on transcript NM_006509.4 (MANE Select); coding-DNA position 1567, G replaced by A.
Protein change: p.Ala523Thr; replaces alanine 523 with threonine.
Molecular consequence: missense variant.
Genome position (GRCh38, 1-based): chr19:45,037,617, G>A. VCF-style: chr19-45037617-G-A. GRCh37 (hg19) VCF-style: chr19-45540875-G-A.
Other names: c.1558G>A, p.Ala520Thr (NM_001411087.1); short protein forms A520T, A523T.
Identifiers: ClinVar variation 2780286 (VCV002780286.3), dbSNP rs1400571456, ClinGen allele CA406309790.

ClinVar aggregate classification (germline): Uncertain significance (1 of 4 stars; one submission).

gnomAD v4.1: 3 of 1,603,728 alleles (0.00019%); highest among the groups gnomAD compares: Non-Finnish European, 0.00026%; no homozygotes.

Submission:

Labcorp Genetics (formerly Invitae), Labcorp
Classification: Uncertain significance. Last evaluated: 2023-12-18. Review status: criteria provided, single submitter. Criteria: Invitae Variant Classification Sherloc (09022015). Collection method: clinical testing. Allele origin: germline.
Comment: This sequence change replaces alanine, which is neutral and non-polar, with threonine, which is neutral and polar, at codon 523 of the RELB protein (p.Ala523Thr). The frequency data for this variant in the population databases is considered unreliable, as metrics indicate poor data quality at this position in the gnomAD database. This variant has not been reported in the literature in individuals affected with RELB-related conditions. An algorithm developed to predict the effect of missense changes on protein structure and function (PolyPhen-2) suggests that this variant is likely to be tolerated. In summary, the available evidence is currently insufficient to determine the role of this variant in disease. Therefore, it has been classified as a Variant of Uncertain Significance.